The following is an entry in ClinVar:

NM_152564.5(VPS13B):c.7610T>G (p.Val2537Gly)

Gene: VPS13B (vacuolar protein sorting 13 homolog B; plus strand). Cytogenetic location: 8q22.2.
Variant type: single nucleotide variant.
Coding change: c.7610T>G on transcript NM_152564.5 (MANE Select); coding-DNA position 7610, T replaced by G.
Protein change: p.Val2537Gly; replaces valine 2537 with glycine.
Molecular consequence: missense variant.
Genome position (GRCh38, 1-based): chr8:99,778,862, T>G. VCF-style: chr8-99778862-T-G. GRCh37 (hg19) VCF-style: chr8-100791090-T-G.
Other names: c.7685T>G, p.Val2562Gly (NM_017890.5); short protein forms V2562G, V2537G.
Identifiers: ClinVar variation 2162948 (VCV002162948.5), dbSNP rs751188155, ClinGen allele CA371876340.
Genomic context (GRCh38, chr8:99,778,862, plus strand): 5'-TCTGTCAGGAGATCCAGTTCTTAGCTCAAGCAGACTGTAAACTTCTAGAGTGCAGAAATG[T>G]CACTATGCAAAGTGTGGTGAAACCCTTCAGCATCTTCGGGCAGATGGCAGTTTCCAGCGA-3'
Protein context (NP_689777.3, residues 2527-2547): ADCKLLECRN[Val2537Gly]TMQSVVKPFS

ClinVar aggregate classification (germline): Uncertain significance. Review status: criteria provided, single submitter (1 of 4 stars). 2 submissions from 2 submitters: Uncertain significance (1). 1 of the submissions does not count toward it. Last evaluated 2022-08-22.

Conditions:
Cohen syndrome (COH1). Also called: Cutis verticis gyrata, retinitis pigmentosa, and sensorineural deafness; PEPPER SYNDROME. Identifiers: Orphanet 193, MedGen C0265223, MONDO:0008999, OMIM 216550.

Submissions (2):

Labcorp Genetics (formerly Invitae), Labcorp
Classification: Uncertain significance for Cohen syndrome. Last evaluated: 2022-08-22. Review status: criteria provided, single submitter. Criteria: Invitae Variant Classification Sherloc (09022015). Collection method: clinical testing. Allele origin: germline.
Comment: This sequence change replaces valine, which is neutral and non-polar, with glycine, which is neutral and non-polar, at codon 2562 of the VPS13B protein (p.Val2562Gly). This variant is not present in population databases (gnomAD no frequency). This variant has not been reported in the literature in individuals affected with VPS13B-related conditions. Algorithms developed to predict the effect of missense changes on protein structure and function are either unavailable or do not agree on the potential impact of this missense change (SIFT: "Not Available"; PolyPhen-2: "Benign"; Align-GVGD: "Not Available"). In summary, the available evidence is currently insufficient to determine the role of this variant in disease. Therefore, it has been classified as a Variant of Uncertain Significance.

Natera, Inc.
Classification: Uncertain significance for Cohen syndrome. Last evaluated: 2025-04-14. Review status: no assertion criteria provided. Collection method: clinical testing. Allele origin: germline. Not counted in ClinVar's aggregate classification.